The following is an entry in ClinVar:

NM_006218.4(PIK3CA):c.985G>T (p.Val329Phe)

Gene: PIK3CA (phosphatidylinositol-4,5-bisphosphate 3-kinase catalytic subunit alpha; plus strand). Cytogenetic location: 3q26.32.
Variant type: single nucleotide variant.
Coding change: c.985G>T on transcript NM_006218.4 (MANE Select); coding-DNA position 985, G replaced by T.
Protein change: p.Val329Phe; replaces valine 329 with phenylalanine.
Molecular consequence: missense variant.
Genome position (GRCh38, 1-based): chr3:179,203,715, G>T. VCF-style: chr3-179203715-G-T. GRCh37 (hg19) VCF-style: chr3-178921503-G-T.
Other names: short protein forms V329F.
Identifiers: ClinVar variation 1768425 (VCV001768425.2), dbSNP rs774616938, ClinGen allele CA355280989.

ClinVar aggregate classification (germline): Uncertain significance (1 of 4 stars; one submission).

Conditions:
Inborn genetic diseases. Identifiers: MedGen C0950123, MeSH D030342.

Submission:

Ambry Genetics
Classification: Uncertain significance for Inborn genetic diseases. Last evaluated: 2021-06-13. Review status: criteria provided, single submitter. Criteria: Ambry Variant Classification Scheme 2023. Collection method: clinical testing. Allele origin: germline.
Comment: The p.V329F variant (also known as c.985G>T), located in coding exon 4 of the PIK3CA gene, results from a G to T substitution at nucleotide position 985. The valine at codon 329 is replaced by phenylalanine, an amino acid with highly similar properties. This amino acid position is conserved. In addition, this alteration is predicted to be tolerated by in silico analysis. Since supporting evidence is limited at this time, the clinical significance of this alteration remains unclear.